The following is an entry in ClinVar:

NM_000548.5(TSC2):c.1717-12CT[2]

Gene: TSC2 (TSC complex subunit 2; plus strand). Cytogenetic location: 16p13.3.
Variant type: Microsatellite.
Coding change: c.1717-12CT[2] on transcript NM_000548.5 (MANE Select); two copies in a row of the 2-base unit CT starting at c.1717-12; the reference has four copies in a row; two copies, 4 bases deleted.
Molecular consequence: intron variant.
Genome position (GRCh38, 1-based): chr16:2,070,448-2,070,451, CTCT deleted; deleting any 4 consecutive bases within chr16:2,070,444-2,070,451 gives the same sequence; the position shown is the placement nearest the transcript's 3' end. VCF-style (leftmost placement, unchanged base first): chr16-2070443-CCTCT-C. GRCh37 (hg19) VCF-style: chr16-2120444-CCTCT-C.
Other names: c.1717-8_1717-5delCTCT (NM_000548.3); c.1717-12CT[2] (NM_001114382.3, NM_021055.3, NM_001370405.1 and 3 more transcripts); c.1606-12CT[2] (NM_001318827.2); c.1117-12CT[2] (NM_001318831.2); c.1570-12CT[2] (NM_001318829.2); c.1750-12CT[2] (NM_001318832.2).
Identifiers: ClinVar variation 586849 (VCV000586849.3), dbSNP rs769094940, ClinGen allele CA891844064.
Genomic context (GRCh38, chr16:2,070,443, plus strand): 5'-CGGGACAAGGGTGCTGTCTTAGGACTGCGTTTTCACCTCCTGCGCCGTGGTGAGCTGCGT[CCTCT>C]CTCTGCAGACCAAGCTGTACACCCTGCCTGCAAGCCACGCCACGCGTGTGTATGAGATGC-3'

ClinVar aggregate classification (germline): Pathogenic. Review status: criteria provided, multiple submitters, no conflicts (2 of 4 stars). 2 submissions from 2 submitters: Pathogenic (2). Last evaluated 2018-03-26.

Conditions:
Hereditary cancer-predisposing syndrome. Also called: Tumor predisposition; Neoplastic Syndromes, Hereditary; Hereditary neoplastic syndrome; Hereditary Cancer Syndrome. Identifiers: Orphanet 140162, MedGen C0027672, MeSH D009386, MONDO:0015356.

Submissions (2):

Athena Diagnostics
Classification: Pathogenic. Last evaluated: 2018-03-26. Review status: criteria provided, single submitter. Criteria: Athena Diagnostics Criteria. Collection method: clinical testing. Allele origin: germline.

Ambry Genetics
Classification: Pathogenic for Hereditary cancer-predisposing syndrome. Last evaluated: 2016-07-25. Review status: criteria provided, single submitter. Criteria: Ambry Variant Classification Scheme 2023. Collection method: clinical testing. Allele origin: germline.
Comment: The c.1717-8_1717-5delCTCT intronic pathogenic mutation, located upstream from coding exon 16 of the TSC2 gene, results from a deletion of 4 nucleotides at positions c.1717-8 to c.1717-5 within intron 15. This variant was not reported in population based cohorts in the following databases: Database of Single Nucleotide Polymorphisms (dbSNP), NHLBI Exome Sequencing Project (ESP), and 1000 Genomes Project. In the ESP, this variant was not observed in 6498 samples (12996 alleles) with coverage at this position. To date, this alteration has been detected with an allele frequency of approximately 0.006% (greater than 20000 alleles tested) in our clinical cohort. These nucleotide positions are somewhat well conserved in available vertebrate species. Using the BDGP and ESEfinder splice site prediction tools, this alteration is predicted to weaken the efficiency of the native splice acceptor site; however, direct experimental evidence is unavailable. Based on the available evidence, c.1717-8_1717-5delCTCT is classified as a pathogenic mutation.